The following is an entry in ClinVar:

ClinVar aggregate classification (germline): Conflicting classifications of pathogenicity. Review status: criteria provided, conflicting classifications (1 of 4 stars). 10 submissions from 10 submitters: Uncertain significance (1); Benign (4); Likely benign (4). 1 of the submissions does not count toward it. Last evaluated 2026-01-14.

Conditions:
TSC1-related disorder. Also called: TSC1-related condition.
Hereditary cancer-predisposing syndrome. Also called: Hereditary neoplastic syndrome; Tumor predisposition; Hereditary Cancer Syndrome; Neoplastic Syndromes, Hereditary. Identifiers: Orphanet 140162, MedGen C0027672, MeSH D009386, MONDO:0015356.
Tuberous sclerosis syndrome (TSC). Also called: Tuberous sclerosis; Tuberous Sclerosis Complex. Identifiers: Orphanet 805, MedGen C0041341, MONDO:0001734.
Tuberous sclerosis 1 (TSC1). Identifiers: Orphanet 805, MedGen C1854465, MONDO:0008612, OMIM 191100.

Allele frequency attached by ClinVar (database versions not stated): ExAC 0.00003; gnomAD exomes 0.00003; TOPMed 0.00006; gnomAD 0.00007 and 0.00008; ESP Exome Variant Server 0.00023.
gnomAD v4.1: 59 of 1,614,036 alleles (0.0037%); highest among the groups gnomAD compares: Middle Eastern, 0.033%; no homozygotes.

Submissions (10):

Labcorp Genetics (formerly Invitae), Labcorp
Classification: Benign for Tuberous sclerosis 1. Last evaluated: 2026-01-14. Review status: criteria provided, single submitter. Criteria: Invitae Variant Classification Sherloc (09022015). Collection method: clinical testing. Allele origin: germline.

PreventionGenetics, part of Exact Sciences
Classification: Likely benign for TSC1-related condition. Last evaluated: 2026-01-05. Review status: criteria provided, single submitter. Criteria: ACMG Guidelines, 2015. Collection method: clinical testing. Allele origin: germline.
Comment: This variant is classified as likely benign based on ACMG/AMP sequence variant interpretation guidelines (Richards et al. 2015 PMID: 25741868, with internal and published modifications).

Quest Diagnostics Nichols Institute San Juan Capistrano
Classification: Likely benign. Last evaluated: 2025-03-25. Review status: criteria provided, single submitter. Criteria: Quest Diagnostics criteria. Collection method: clinical testing. Allele origin: unknown.

Myriad Genetics, Inc.
Classification: Likely benign for Tuberous sclerosis 1. Last evaluated: 2024-08-27. Review status: criteria provided, single submitter. Criteria: Myriad Autosomal Dominant, Autosomal Recessive and X-Linked Classification Criteria (2023). Collection method: clinical testing. Allele origin: unknown.
Comment: This variant is considered likely benign. This variant has been observed at a population frequency that is significantly greater than expected given the associated disease prevalence and penetrance.

Color Diagnostics, LLC DBA Color Health
Classification: Likely benign for Tuberous sclerosis syndrome. Last evaluated: 2022-05-26. Review status: criteria provided, single submitter. Criteria: ACMG Guidelines, 2015. Collection method: clinical testing. Allele origin: germline.

Genome-Nilou Lab
Classification: Benign for Tuberous sclerosis 1. Last evaluated: 2021-11-07. Review status: criteria provided, single submitter. Criteria: ACMG Guidelines, 2015. Collection method: clinical testing. Allele origin: germline. Affected: no.

Sema4
Classification: Uncertain significance for Hereditary cancer-predisposing syndrome. Last evaluated: 2021-08-09. Review status: criteria provided, single submitter. Criteria: Sema4 Curation Guidelines. Collection method: curation. Allele origin: germline.
Comment: To the best of our knowledge, the TSC1 c.851G>A (p.R284H) variant has not been reported in individuals with TSC1-related disease. It was observed in 15/282750 chromosomes in the large and broad cohorts of the Genome Aggregation Database (PMID: 32461654). The variant has been reported in ClinVar (Variation ID 41699). Functional studies have not been performed, and in silico predictions of the variant's effect on protein function are inconclusive. The evidence is insufficient to meet ACMG/AMP criteria for classifying the variant as benign or pathogenic. Thus, the clinical significance of this variant is currently uncertain.

Ambry Genetics
Classification: Benign for Hereditary cancer-predisposing syndrome. Last evaluated: 2021-03-18. Review status: criteria provided, single submitter. Criteria: Ambry Variant Classification Scheme 2023. Collection method: clinical testing. Allele origin: germline.

Athena Diagnostics
Classification: Benign. Last evaluated: 2018-10-24. Review status: criteria provided, single submitter. Criteria: Athena Diagnostics Criteria. Collection method: clinical testing. Allele origin: germline.

Biesecker Lab/Clinical Genomics Section, National Institutes of Health
Classification: Uncertain significance. Last evaluated: 2012-07-13. Review status: no assertion criteria provided. Collection method: research. Allele origin: germline. Affected: no. Observed: 1 variant allele. Study: ClinSeq. Not counted in ClinVar's aggregate classification.
ClinVar note: Converted during submission from variant of unknown significance to Uncertain significance.

Literature cited by the submitters: PubMed 26934580 (cited by Ambry Genetics).

NM_000368.5(TSC1):c.851G>A (p.Arg284His)

Gene: TSC1 (TSC complex subunit 1; minus strand). Cytogenetic location: 9q34.13.
Variant type: single nucleotide variant.
Coding change: c.851G>A on transcript NM_000368.5 (MANE Select); coding-DNA position 851, G replaced by A.
Protein change: p.Arg284His; replaces arginine 284 with histidine.
Molecular consequence: missense variant.
Genome position (GRCh38, 1-based): chr9:132,912,344, C>T on the plus strand (G>A on the coding strand, the complement: TSC1 is on the minus strand). VCF-style: chr9-132912344-C-T. GRCh37 (hg19) VCF-style: chr9-135787731-C-T.
Other names: c.851G>A, p.Arg284His (NM_001162426.2); c.698G>A, p.Arg233His (NM_001162427.2); c.488G>A, p.Arg163His (NM_001362177.2); short protein forms R284H, R163H, R233H.
Identifiers: ClinVar variation 41699 (VCV000041699.25), dbSNP rs151309813, ClinGen allele CA008318.